The following is an entry in ClinVar:

ClinVar aggregate classification (germline): Likely benign (1 of 4 stars; one submission).

gnomAD v4.1: 11 of 1,613,854 alleles (0.00068%); highest among the groups gnomAD compares: African/African-American, 0.0067%; no homozygotes.

Submission:

CeGaT Center for Human Genetics Tuebingen
Classification: Likely benign. Last evaluated: 2026-06-01. Review status: criteria provided, single submitter. Criteria: CeGaT Center For Human Genetics Tuebingen Variant Classification Criteria Version 2. Collection method: clinical testing. Allele origin: germline. Affected: yes. Observed: 1 variant allele.
Comment: TET3: BP4

NM_001287491.2(TET3):c.612G>A (p.Ser204=)

Gene: TET3 (tet methylcytosine dioxygenase 3; plus strand). Cytogenetic location: 2p13.1.
Variant type: single nucleotide variant.
Coding change: c.612G>A on transcript NM_001287491.2 (MANE Select); coding-DNA position 612, G replaced by A.
Protein change: p.Ser204=; no amino-acid change (serine 204 retained).
Molecular consequence: synonymous variant.
Genome position (GRCh38, 1-based): chr2:74,046,529, G>A. VCF-style: chr2-74046529-G-A. GRCh37 (hg19) VCF-style: chr2-74273656-G-A.
Other names: c.333G>A, p.Ser111= (NM_001366022.1).
Identifiers: ClinVar variation 4873274 (VCV004873274.2).